The following is an entry in ClinVar:

ClinVar aggregate classification (germline): Uncertain significance (1 of 4 stars; one submission).

Conditions:
Early-infantile DEE. Also called: Early infantile epileptic encephalopathy; Ohtahara syndrome; Early infantile epileptic encephalopathy with suppression bursts. Identifiers: Orphanet 1934, MedGen C0393706, MONDO:0800491.

Submission:

Labcorp Genetics (formerly Invitae), Labcorp
Classification: Uncertain significance for Early-infantile DEE. Last evaluated: 2022-03-27. Review status: criteria provided, single submitter. Criteria: Invitae Variant Classification Sherloc (09022015). Collection method: clinical testing. Allele origin: germline.
Comment: In summary, the available evidence is currently insufficient to determine the role of this variant in disease. Therefore, it has been classified as a Variant of Uncertain Significance. Algorithms developed to predict the effect of sequence changes on RNA splicing suggest that this variant may create or strengthen a splice site. Advanced modeling of protein sequence and biophysical properties (such as structural, functional, and spatial information, amino acid conservation, physicochemical variation, residue mobility, and thermodynamic stability) performed at Invitae indicates that this missense variant is expected to disrupt SCN1A protein function. This variant has not been reported in the literature in individuals affected with SCN1A-related conditions. This variant is not present in population databases (gnomAD no frequency). This sequence change replaces cysteine, which is neutral and slightly polar, with arginine, which is basic and polar, at codon 142 of the SCN1A protein (p.Cys142Arg).

NM_001165963.4(SCN1A):c.424T>C (p.Cys142Arg)

Gene: SCN1A (sodium voltage-gated channel alpha subunit 1; minus strand). Cytogenetic location: 2q24.3.
Variant type: single nucleotide variant.
Coding change: c.424T>C on transcript NM_001165963.4 (MANE Select); coding-DNA position 424, T replaced by C.
Protein change: p.Cys142Arg; replaces cysteine 142 with arginine.
Molecular consequence: missense variant. On other transcripts: 5 prime UTR variant (1), non-coding transcript variant (1).
Genome position (GRCh38, 1-based): chr2:166,056,460, A>G on the plus strand (T>C on the coding strand, the complement: SCN1A is on the minus strand). VCF-style: chr2-166056460-A-G. GRCh37 (hg19) VCF-style: chr2-166912970-A-G.
Other names: c.424T>C, p.Cys142Arg (NM_001165964.3, NM_001202435.3, NM_001353948.2 and 10 more transcripts); c.-2002T>C (NM_001353961.2); short protein forms C142R.
Identifiers: ClinVar variation 2118616 (VCV002118616.4), dbSNP rs2468258606, ClinGen allele CA349076011.